The following is an entry in ClinVar:

NM_206933.4(USH2A):c.12987T>C (p.Tyr4329=)

Gene: USH2A (usherin; minus strand). Cytogenetic location: 1q41.
Variant type: single nucleotide variant.
Coding change: c.12987T>C on transcript NM_206933.4 (MANE Select); coding-DNA position 12987, T replaced by C.
Protein change: p.Tyr4329=; no amino-acid change (tyrosine 4329 retained).
Molecular consequence: synonymous variant.
Genome position (GRCh38, 1-based): chr1:215,674,924, A>G on the plus strand (T>C on the coding strand, the complement: USH2A is on the minus strand). VCF-style: chr1-215674924-A-G. GRCh37 (hg19) VCF-style: chr1-215848266-A-G.
Identifiers: ClinVar variation 798460 (VCV000798460.14), dbSNP rs1203365063, ClinGen allele CA423427952.
Genomic context (GRCh38, chr1:215,674,924, plus strand): 5'-GATGCTGGTGGGTTTGCTGGTGGAGCATCCTCCACTCGTGCAGGCTTGGAGTGCATAGCT[A>G]TAGGTGGAAAAAGGAAGAAGCTCTTCATCAGTGTAATTGAAAGTCACAGGATCAAAGCTA-3'
Protein context (NP_996816.3, residues 4319-4339): TDEELLPFST[Tyr4329=]SYALQACTSG

ClinVar aggregate classification (germline): Conflicting classifications of pathogenicity. Review status: criteria provided, conflicting classifications (1 of 4 stars). 5 submissions from 4 submitters: Uncertain significance (1); Likely benign (4). Last evaluated 2023-12-11.

Conditions:
Retinitis pigmentosa 39 (RP39). Identifiers: Orphanet 791, MedGen C3151138, MONDO:0013436, OMIM 613809.
Usher syndrome type 2A. Also called: RETINAL DISEASE IN USHER SYNDROME TYPE IIA, MODIFIER OF; USHER SYNDROME, TYPE IIA. Identifiers: Orphanet 231178, Orphanet 886, MedGen C1848634, MONDO:0010169, OMIM 276901.

Allele frequency attached by ClinVar (database versions not stated): gnomAD 0.00001; gnomAD exomes 0.00001 and 0.00003; TOPMed 0.00001.
gnomAD v4.1: 40 of 1,614,054 alleles (0.0025%); highest among the groups gnomAD compares: Non-Finnish European, 0.0033%; no homozygotes.

Submissions (5):

Labcorp Genetics (formerly Invitae), Labcorp
Classification: Likely benign. Last evaluated: 2023-12-11. Review status: criteria provided, single submitter. Criteria: Invitae Variant Classification Sherloc (09022015). Collection method: clinical testing. Allele origin: germline.

Genome-Nilou Lab
Classification: Likely benign for Retinitis pigmentosa 39. Last evaluated: 2023-11-04. Review status: criteria provided, single submitter. Criteria: ACMG Guidelines, 2015. Collection method: clinical testing. Allele origin: germline. Affected: no.

Genome-Nilou Lab
Classification: Likely benign for Usher syndrome type 2A. Last evaluated: 2023-11-04. Review status: criteria provided, single submitter. Criteria: ACMG Guidelines, 2015. Collection method: clinical testing. Allele origin: germline. Affected: no.

Blueprint Genetics
Classification: Uncertain significance. Last evaluated: 2022-11-23. Review status: criteria provided, single submitter. Criteria: ACMG Guidelines, 2015. Collection method: clinical testing. Allele origin: germline.

GeneDx
Classification: Likely benign. Last evaluated: 2019-12-03. Review status: criteria provided, single submitter. Criteria: GeneDx Variant Classification Process June 2021. Collection method: clinical testing. Allele origin: germline. Affected: yes.
Comment: See Variant Classification Assertion Criteria.